The following is an entry in ClinVar:

ClinVar aggregate classification (germline): Uncertain significance (1 of 4 stars; one submission).

Submission:

Labcorp Genetics (formerly Invitae), Labcorp
Classification: Uncertain significance. Last evaluated: 2025-08-07. Review status: criteria provided, single submitter. Criteria: Invitae Variant Classification Sherloc (09022015). Collection method: clinical testing. Allele origin: germline.
Comment: This sequence change replaces asparagine, which is neutral and polar, with histidine, which is basic and polar, at codon 413 of the SUCLG2 protein (p.Asn413His). This variant is not present in population databases (gnomAD no frequency). This variant has not been reported in the literature in individuals affected with SUCLG2-related conditions. An algorithm developed to predict the effect of missense changes on protein structure and function (PolyPhen-2) suggests that this variant is likely to be tolerated. In summary, the available evidence is currently insufficient to determine the role of this variant in disease. Therefore, it has been classified as a Variant of Uncertain Significance.

NC_000003.12:g.67360715T>G

Gene: SUCLG2 (succinate-CoA ligase GDP-forming subunit beta; minus strand). Cytogenetic location: 3p14.1.
Variant type: single nucleotide variant.
Molecular consequence: missense variant (on NM_001177599.2).
Genome position: GRCh38 VCF-style: chr3-67360715-T-G. GRCh37 (hg19) VCF-style: chr3-67411139-T-G.
Other names: c.1237A>C, p.Asn413His (NM_001177599.2); short protein forms N413H.
Identifiers: ClinVar variation 4774647 (VCV004774647.1).